The following is an entry in ClinVar:

ClinVar aggregate classification (germline): Benign/Likely benign. Review status: criteria provided, multiple submitters, no conflicts (2 of 4 stars). 7 submissions from 7 submitters: Benign (4); Likely benign (3). Last evaluated 2026-06-01.

Conditions:
Primary ciliary dyskinesia. Also called: Ciliary dyskinesia. Identifiers: Orphanet 244, MedGen C0008780, MONDO:0016575, HP:0012265.
Primary ciliary dyskinesia 7. Also called: CILIARY DYSKINESIA, PRIMARY, 7, WITH OR WITHOUT SITUS INVERSUS. Identifiers: Orphanet 244, MedGen C2678473, MONDO:0012748, OMIM 611884.

Allele frequency attached by ClinVar (database versions not stated): 1000 Genomes Project 30x 0.00109; 1000 Genomes Project 0.00140; ESP Exome Variant Server 0.00210; gnomAD 0.00225 and 0.00235; TOPMed 0.00265.
gnomAD v4.1: 3,901 of 1,613,654 alleles (0.24%); highest among the groups gnomAD compares: Middle Eastern, 2.2%; 29 homozygotes.

Submissions (7):

CeGaT Center for Human Genetics Tuebingen
Classification: Likely benign. Last evaluated: 2026-06-01. Review status: criteria provided, single submitter. Criteria: CeGaT Center For Human Genetics Tuebingen Variant Classification Criteria Version 2. Collection method: clinical testing. Allele origin: germline. Affected: yes. Observed: 26 variant alleles.
Comment: DNAH11: BP4, BS1:Supporting

Labcorp Genetics (formerly Invitae), Labcorp
Classification: Benign for Primary ciliary dyskinesia. Last evaluated: 2026-02-04. Review status: criteria provided, single submitter. Criteria: Invitae Variant Classification Sherloc (09022015). Collection method: clinical testing. Allele origin: germline.

Genomic Medicine Center of Excellence, King Faisal Specialist Hospital and Research Centre
Classification: Likely benign. Last evaluated: 2025-08-18. Review status: criteria provided, single submitter. Criteria: ACMG Guidelines, 2015. Collection method: clinical testing. Allele origin: germline.

Blueprint Genetics
Classification: Likely benign. Last evaluated: 2024-11-27. Review status: criteria provided, single submitter. Criteria: ACMG Guidelines, 2015. Collection method: clinical testing. Allele origin: germline.

Fulgent Genetics
Classification: Benign for Primary ciliary dyskinesia 7. Last evaluated: 2022-04-25. Review status: criteria provided, single submitter. Criteria: ACMG Guidelines, 2015. Collection method: clinical testing. Allele origin: unknown.

GeneDx
Classification: Benign. Last evaluated: 2020-07-21. Review status: criteria provided, single submitter. Criteria: GeneDx Variant Classification Process June 2021. Collection method: clinical testing. Allele origin: germline. Affected: yes.

PreventionGenetics, part of Exact Sciences
Classification: Benign. Review status: criteria provided, single submitter. Criteria: ACMG Guidelines, 2015. Collection method: clinical testing. Allele origin: germline.

NM_001277115.2(DNAH11):c.4282A>G (p.Thr1428Ala)

Gene: DNAH11 (dynein axonemal heavy chain 11; plus strand). Cytogenetic location: 7p15.3.
Variant type: single nucleotide variant.
Coding change: c.4282A>G on transcript NM_001277115.2 (MANE Select); coding-DNA position 4282, A replaced by G.
Protein change: p.Thr1428Ala; replaces threonine 1428 with alanine.
Molecular consequence: missense variant.
Genome position (GRCh38, 1-based): chr7:21,619,127, A>G. VCF-style: chr7-21619127-A-G. GRCh37 (hg19) VCF-style: chr7-21658745-A-G.
Other names: short protein forms T1428A.
Identifiers: ClinVar variation 238917 (VCV000238917.42), dbSNP rs72657315, ClinGen allele CA4179985.